The following is an entry in ClinVar:

NM_005228.5(EGFR):c.2136C>A (p.Phe712Leu)

Gene: EGFR (epidermal growth factor receptor; plus strand). Cytogenetic location: 7p11.2.
Variant type: single nucleotide variant.
Coding change: c.2136C>A on transcript NM_005228.5 (MANE Select); coding-DNA position 2136, C replaced by A.
Protein change: p.Phe712Leu; replaces phenylalanine 712 with leucine.
Molecular consequence: missense variant.
Genome position (GRCh38, 1-based): chr7:55,173,995, C>A. VCF-style: chr7-55173995-C-A. GRCh37 (hg19) VCF-style: chr7-55241688-C-A.
Other names: c.2001C>A, p.Phe667Leu (NM_001346897.2, NM_001346899.2); c.2136C>A, p.Phe712Leu (NM_001346898.2); c.1977C>A, p.Phe659Leu (NM_001346900.2); c.1335C>A, p.Phe445Leu (NM_001346941.2); short protein forms F445L, F659L, F667L, F712L.
Identifiers: ClinVar variation 4870251 (VCV004870251.1).

ClinVar aggregate classification (germline): Uncertain significance (1 of 4 stars; one submission).

Conditions:
Hereditary cancer-predisposing syndrome. Also called: Neoplastic Syndromes, Hereditary; Tumor predisposition; Hereditary Cancer Syndrome; Hereditary neoplastic syndrome. Identifiers: Orphanet 140162, MedGen C0027672, MeSH D009386, MONDO:0015356.

Submission:

Ambry Genetics
Classification: Uncertain significance for Hereditary cancer-predisposing syndrome. Last evaluated: 2026-04-23. Review status: criteria provided, single submitter. Criteria: Ambry Variant Classification Scheme 2023. Collection method: clinical testing. Allele origin: germline.
Comment: The p.F712L variant (also known as c.2136C>A), located in coding exon 18 of the EGFR gene, results from a C to A substitution at nucleotide position 2136. The phenylalanine at codon 712 is replaced by leucine, an amino acid with highly similar properties. This amino acid position is well conserved in available vertebrate species. In addition, this alteration is predicted to be tolerated by in silico analysis. Based on the available evidence, the clinical significance of this variant remains unclear.